The following is an entry in ClinVar:

ClinVar aggregate classification (germline): Conflicting classifications of pathogenicity. Review status: criteria provided, conflicting classifications (1 of 4 stars). 6 submissions from 6 submitters: Uncertain significance (3); Likely benign (3). Last evaluated 2024-10-31.

Conditions:
Cardiovascular phenotype. Identifiers: MedGen CN230736.
Autosomal recessive limb-girdle muscular dystrophy type 2J (LGMDR10). Also called: MUSCULAR DYSTROPHY, LIMB-GIRDLE, AUTOSOMAL RECESSIVE 10; Limb-girdle muscular dystrophy, type 2J. Identifiers: Orphanet 140922, MedGen C1837342, MONDO:0012127, OMIM 608807.
Dilated cardiomyopathy 1G (CMD1G). Identifiers: Orphanet 154, MedGen C1858763, MONDO:0011400, OMIM 604145.

Allele frequency attached by ClinVar (database versions not stated): ExAC 0.00004; gnomAD 0.00005; gnomAD exomes 0.00005 and 0.00014; TOPMed 0.00007; ESP Exome Variant Server 0.00025.
gnomAD v4.1: 217 of 1,613,082 alleles (0.013%); highest among the groups gnomAD compares: Non-Finnish European, 0.017%; no homozygotes.

Submissions (6):

Blueprint Genetics
Classification: Likely benign. Last evaluated: 2024-10-31. Review status: criteria provided, single submitter. Criteria: ACMG Guidelines, 2015. Collection method: clinical testing. Allele origin: germline.

Revvity Omics, Revvity
Classification: Uncertain significance. Last evaluated: 2024-09-20. Review status: criteria provided, single submitter. Criteria: ACMG Guidelines, 2015. Collection method: clinical testing. Allele origin: germline.

Ambry Genetics
Classification: Likely benign for Cardiovascular phenotype. Last evaluated: 2020-05-21. Review status: criteria provided, single submitter. Criteria: Ambry Variant Classification Scheme 2023. Collection method: clinical testing. Allele origin: germline.

GeneDx
Classification: Likely benign. Last evaluated: 2019-12-18. Review status: criteria provided, single submitter. Criteria: GeneDx Variant Classification Process June 2021. Collection method: clinical testing. Allele origin: germline. Affected: yes.
Comment: This variant is associated with the following publications: (PMID: 23861362)

Labcorp Genetics (formerly Invitae), Labcorp
Classification: Uncertain significance for Dilated cardiomyopathy 1G; Autosomal recessive limb-girdle muscular dystrophy type 2J. Last evaluated: 2016-07-16. Review status: criteria provided, single submitter. Criteria: Invitae Variant Classification Sherloc (09022015). Collection method: clinical testing. Allele origin: germline.

Biesecker Lab/Clinical Genomics Section, National Institutes of Health
Classification: Uncertain significance. Last evaluated: 2013-06-24. Review status: criteria provided, single submitter. Criteria: Ng et al. (Circ Cardiovasc Genet. 2013). Collection method: research. Allele origin: unknown. Observed: 1 variant allele. Study: ClinSeq.
Comment: The study set was not selected for affection status in relation to any cancer. Pathogenicity categories were based on literature curation. See Pubmed ID:23861362 for details.

Medical sequencing

Literature cited by the submitters: PubMed 23861362 (cited by Ambry Genetics).

NM_001267550.2(TTN):c.67322A>G (p.Glu22441Gly)

Genes: TTN (titin; minus strand), TTN-AS1 (TTN antisense RNA 1; plus strand). Cytogenetic location: 2q31.2.
Variant type: single nucleotide variant.
Coding change: c.67322A>G on transcript NM_001267550.2 (MANE Select); coding-DNA position 67322, A replaced by G.
Protein change: p.Glu22441Gly; replaces glutamic acid 22441 with glycine.
Molecular consequence: missense variant.
Genome position (GRCh38, 1-based): chr2:178,579,965, T>C on the plus strand (A>G on the coding strand, the complement: TTN is on the minus strand). VCF-style: chr2-178579965-T-C. GRCh37 (hg19) VCF-style: chr2-179444692-T-C.
Other names: c.62399A>G, p.Glu20800Gly (NM_001256850.1); c.40127A>G, p.Glu13376Gly (NM_003319.4); c.59618A>G, p.Glu19873Gly (NM_133378.4); c.40502A>G, p.Glu13501Gly (NM_133432.3); c.40703A>G, p.Glu13568Gly (NM_133437.4); short protein forms E19873G, E22441G, E13376G, E13501G, E13568G, E20800G.
Identifiers: ClinVar variation 191914 (VCV000191914.12), dbSNP rs201223583, ClinGen allele CA237855.